The following is an entry in ClinVar:

NM_000503.6(EYA1):c.881G>A (p.Arg294Gln)

Gene: EYA1 (EYA transcriptional coactivator and phosphatase 1; minus strand). Cytogenetic location: 8q13.3.
Variant type: single nucleotide variant.
Coding change: c.881G>A on transcript NM_000503.6 (MANE Select); coding-DNA position 881, G replaced by A.
Protein change: p.Arg294Gln; replaces arginine 294 with glutamine.
Molecular consequence: missense variant.
Genome position (GRCh38, 1-based): chr8:71,271,843, C>T on the plus strand (G>A on the coding strand, the complement: EYA1 is on the minus strand). VCF-style: chr8-71271843-C-T. GRCh37 (hg19) VCF-style: chr8-72184078-C-T.
Other names: c.863G>A, p.Arg288Gln (NM_001288574.2); c.515G>A, p.Arg172Gln (NM_001288575.2); c.968G>A, p.Arg323Gln (NM_001370333.1); c.881G>A, p.Arg294Gln (NM_001370334.1, NM_001370335.1, NM_172058.4); c.950G>A, p.Arg317Gln (NM_001370336.1); c.782G>A, p.Arg261Gln (NM_001411797.1, NM_172060.4); c.953G>A, p.Arg318Gln (NM_172059.5); short protein forms R261Q, R317Q, R288Q, R318Q, R323Q, R172Q, R294Q.
Identifiers: ClinVar variation 3595842 (VCV003595842.2).

ClinVar aggregate classification (germline): Uncertain significance. Review status: criteria provided, multiple submitters, no conflicts (2 of 4 stars). 2 submissions from 2 submitters: Uncertain significance (2). Last evaluated 2025-11-11.

Conditions:
Melnick-Fraser syndrome (BOR). Also called: Branchiootorenal syndrome; Branchio-oto-renal syndrome; Branchiootorenal Syndrome (BORS). Identifiers: Orphanet 107, MedGen C0265234, MONDO:0007029.
Branchiootic syndrome 1 (BOS1). Also called: BO SYNDROME 1; BRANCHIOOTIC DYSPLASIA. Identifiers: MedGen C1865143, MONDO:0011258, OMIM 602588.
Otofaciocervical syndrome 1 (OTFCS). Identifiers: MedGen C3714941, MONDO:0024532, OMIM 166780.
Branchiootorenal syndrome 1. Also called: Branchio-Oto-Renal Syndrome 1. Identifiers: Orphanet 107, MedGen C4551702, MONDO:0007236, OMIM 113650.

gnomAD v4.1: 12 of 1,614,014 alleles (0.00074%); highest among the groups gnomAD compares: Middle Eastern, 0.016%; no homozygotes.

Submissions (2):

Labcorp Genetics (formerly Invitae), Labcorp
Classification: Uncertain significance for Melnick-Fraser syndrome. Last evaluated: 2025-11-11. Review status: criteria provided, single submitter. Criteria: Invitae Variant Classification Sherloc (09022015). Collection method: clinical testing. Allele origin: germline.
Comment: This sequence change replaces arginine, which is basic and polar, with glutamine, which is neutral and polar, at codon 294 of the EYA1 protein (p.Arg294Gln). This variant is present in population databases (rs757532396, gnomAD 0.006%). This variant has not been reported in the literature in individuals affected with EYA1-related conditions. ClinVar contains an entry for this variant (Variation ID: 3595842). Invitae Evidence Modeling of protein sequence and biophysical properties (such as structural, functional, and spatial information, amino acid conservation, physicochemical variation, residue mobility, and thermodynamic stability) indicates that this missense variant is not expected to disrupt EYA1 protein function with a negative predictive value of 80%. In summary, the available evidence is currently insufficient to determine the role of this variant in disease. Therefore, it has been classified as a Variant of Uncertain Significance.

Fulgent Genetics
Classification: Uncertain significance for Branchiootorenal syndrome 1; Otofaciocervical syndrome 1; Branchiootic syndrome 1. Last evaluated: 2024-01-25. Review status: criteria provided, single submitter. Criteria: ACMG Guidelines, 2015. Collection method: clinical testing. Allele origin: germline.